The following is an entry in ClinVar:

NM_052947.4(ALPK2):c.5722A>G (p.Ser1908Gly)

Gene: ALPK2 (alpha kinase 2; minus strand). Cytogenetic location: 18q21.31.
Variant type: single nucleotide variant.
Coding change: c.5722A>G on transcript NM_052947.4 (MANE Select); coding-DNA position 5722, A replaced by G.
Protein change: p.Ser1908Gly; replaces serine 1908 with glycine.
Molecular consequence: missense variant.
Genome position (GRCh38, 1-based): chr18:58,517,126, T>C on the plus strand (A>G on the coding strand, the complement: ALPK2 is on the minus strand). VCF-style: chr18-58517126-T-C. GRCh37 (hg19) VCF-style: chr18-56184358-T-C.
Other names: short protein forms S1908G.
Identifiers: ClinVar variation 3228813 (VCV003228813.1), dbSNP rs2051526490, ClinGen allele CA402549120.

ClinVar aggregate classification (germline): Uncertain significance (1 of 4 stars; one submission).

Allele frequency attached by ClinVar (database versions not stated): TOPMed below 0.00001.

Submission:

Ambry Genetics
Classification: Uncertain significance. Last evaluated: 2023-10-31. Review status: criteria provided, single submitter. Criteria: Ambry Variant Classification Scheme 2023. Collection method: clinical testing. Allele origin: germline.
Comment: The p.S1908G variant (also known as c.5722A>G), located in coding exon 8 of the ALPK2 gene, results from an A to G substitution at nucleotide position 5722. The serine at codon 1908 is replaced by glycine, an amino acid with similar properties. This amino acid position is conserved. In addition, this alteration is predicted to be tolerated by in silico analysis. Since supporting evidence is limited at this time, the clinical significance of this alteration remains unclear.